The following is an entry in ClinVar:

ClinVar aggregate classification (germline): Uncertain significance (1 of 4 stars; one submission).

Allele frequency attached by ClinVar (database versions not stated): gnomAD 0.00001; gnomAD exomes 0.00009; ExAC 0.00013.
gnomAD v4.1: 68 of 1,583,472 alleles (0.0043%); highest among the groups gnomAD compares: South Asian, 0.074%; 1 homozygote.

Submission:

Labcorp Genetics (formerly Invitae), Labcorp
Classification: Uncertain significance. Last evaluated: 2022-07-12. Review status: criteria provided, single submitter. Criteria: Invitae Variant Classification Sherloc (09022015). Collection method: clinical testing. Allele origin: germline.
Comment: This sequence change replaces serine, which is neutral and polar, with phenylalanine, which is neutral and non-polar, at codon 87 of the GTPBP3 protein (p.Ser87Phe). This variant is present in population databases (rs750052227, gnomAD 0.08%). This variant has not been reported in the literature in individuals affected with GTPBP3-related conditions. ClinVar contains an entry for this variant (Variation ID: 1368070). Algorithms developed to predict the effect of missense changes on protein structure and function (SIFT, PolyPhen-2, Align-GVGD) all suggest that this variant is likely to be disruptive. In summary, the available evidence is currently insufficient to determine the role of this variant in disease. Therefore, it has been classified as a Variant of Uncertain Significance.

NM_032620.4(GTPBP3):c.260C>T (p.Ser87Phe)

Gene: GTPBP3 (GTP binding protein 3, mitochondrial; plus strand). Cytogenetic location: 19p13.11.
Variant type: single nucleotide variant.
Coding change: c.260C>T on transcript NM_032620.4 (MANE Select); coding-DNA position 260, C replaced by T.
Protein change: p.Ser87Phe; replaces serine 87 with phenylalanine.
Molecular consequence: missense variant.
Genome position (GRCh38, 1-based): chr19:17,338,214, C>T. VCF-style: chr19-17338214-C-T. GRCh37 (hg19) VCF-style: chr19-17449023-C-T.
Other names: c.260C>T, p.Ser87Phe (NM_001128855.3, NM_133644.4); c.326C>T, p.Ser109Phe (NM_001195422.1); short protein forms S87F, S109F.
Identifiers: ClinVar variation 1368070 (VCV001368070.5), dbSNP rs750052227, ClinGen allele CA9293271.